The following is an entry in ClinVar:

NM_001267727.2(ARSG):c.130G>A (p.Asp44Asn)

Gene: ARSG (arylsulfatase G; plus strand). Cytogenetic location: 17q24.2.
Variant type: single nucleotide variant.
Coding change: c.130G>A on transcript NM_001267727.2 (MANE Select); coding-DNA position 130, G replaced by A.
Protein change: p.Asp44Asn; replaces aspartic acid 44 with asparagine.
Molecular consequence: missense variant.
Genome position (GRCh38, 1-based): chr17:68,307,623, G>A. VCF-style: chr17-68307623-G-A. GRCh37 (hg19) VCF-style: chr17-66303764-G-A.
Other names: ARSG, ASP44ASN (rs199566950); c.130G>A, p.Asp44Asn (NM_001352899.2, NM_001352900.2, NM_001352901.2 and 9 more transcripts); short protein forms D44N.
Identifiers: ClinVar variation 1002820 (VCV001002820.10), dbSNP rs199566950, ClinGen allele CA8728109.

ClinVar aggregate classification (germline): Conflicting classifications of pathogenicity. Review status: criteria provided, conflicting classifications (1 of 4 stars). 5 submissions from 5 submitters: Likely pathogenic (1); Uncertain significance (3). 1 of the submissions does not count toward it. Last evaluated 2026-01-12.

Conditions:
Usher syndrome, type 4. Also called: USHER SYNDROME, TYPE IV. Identifiers: MedGen C4748364, MONDO:0029141, OMIM 618144.
ARSG-related disorder. Also called: ARSG-related condition.

Allele frequency attached by ClinVar (database versions not stated): ExAC 0.00002; gnomAD exomes 0.00002 and 0.00004; gnomAD 0.00003; TOPMed 0.00005.

Submissions (5):

Labcorp Genetics (formerly Invitae), Labcorp
Classification: Likely pathogenic. Last evaluated: 2026-01-12. Review status: criteria provided, single submitter. Criteria: Invitae Variant Classification Sherloc (09022015). Collection method: clinical testing. Allele origin: germline.
Comment: This sequence change replaces aspartic acid, which is acidic and polar, with asparagine, which is neutral and polar, at codon 44 of the ARSG protein (p.Asp44Asn). This variant is present in population databases (rs199566950, gnomAD 0.004%). This missense change has been observed in individual(s) with Usher syndrome type 4 (PMID: 32455177). ClinVar contains an entry for this variant (Variation ID: 1002820). Invitae Evidence Modeling of protein sequence and biophysical properties (such as structural, functional, and spatial information, amino acid conservation, physicochemical variation, residue mobility, and thermodynamic stability) indicates that this missense variant is expected to disrupt ARSG protein function with a positive predictive value of 80%. In summary, the currently available evidence indicates that the variant is pathogenic, but additional data are needed to prove that conclusively. Therefore, this variant has been classified as Likely Pathogenic.

PreventionGenetics, part of Exact Sciences
Classification: Uncertain significance for ARSG-related condition. Last evaluated: 2025-10-21. Review status: criteria provided, single submitter. Criteria: ACMG Guidelines, 2015. Collection method: clinical testing. Allele origin: germline.
Comment: The ARSG c.130G>A variant is predicted to result in the amino acid substitution p.Asp44Asn. This variant was reported in homozygous state in an individual with atypical Usher syndrome (Abad-Morales et al. 2020. PubMed ID: 32455177). Authors speculate that neighboring residues amino acid 44 and 45 are important for protein function as the variant p.Asp45Tyr was found in homozygous state in three families of Yemenite Jewish origin dignosed with atypical Usher syndrome (Khateb et al. 2018. PubMed ID: 29300381). This variant is reported in 0.0040% of alleles in individuals of African descent in gnomAD. Although we suspect, that this variant may be pathogenic, at this time, the clinical significance of this variant is uncertain due to the absence of conclusive functional and genetic evidence.

Genomic Medicine Center of Excellence, King Faisal Specialist Hospital and Research Centre
Classification: Uncertain significance for Usher syndrome, type 4. Last evaluated: 2024-04-04. Review status: criteria provided, single submitter. Criteria: ACMG Guidelines, 2015. Collection method: clinical testing. Allele origin: germline.

Blueprint Genetics
Classification: Uncertain significance. Last evaluated: 2023-04-05. Review status: criteria provided, single submitter. Criteria: ACMG Guidelines, 2015. Collection method: clinical testing. Allele origin: germline.

OMIM
Classification: Pathogenic for USHER SYNDROME, TYPE IV. Last evaluated: 2021-04-26. Review status: no assertion criteria provided. Collection method: literature only. Allele origin: germline. Not counted in ClinVar's aggregate classification.

Literature cited by the submitters: PubMed 32455177 (cited by Labcorp Genetics (formerly Invitae), Labcorp and OMIM).